The following is an entry in ClinVar:

ClinVar aggregate classification (germline): Uncertain significance (1 of 4 stars; one submission).

Conditions:
Loeys-Dietz syndrome 2 (LDS2). Also called: Marfan Syndrome type 2; Marfan like connective tissue disorder; MFS 2; TGFBR2-Related Loeys-Dietz Syndrome; Marfan syndrome, type 2 (formerly); AORTIC ANEURYSM, FAMILIAL THORACIC 3. Identifiers: Orphanet 284973, Orphanet 558, MedGen C2674574, MONDO:0012427, OMIM 610168.

Submission:

Labcorp Genetics (formerly Invitae), Labcorp
Classification: Uncertain significance for Loeys-Dietz syndrome 2. Last evaluated: 2024-12-11. Review status: criteria provided, single submitter. Criteria: Invitae Variant Classification Sherloc (09022015). Collection method: clinical testing. Allele origin: germline.
Comment: This sequence change creates a premature translational stop signal (p.Ser433Argfs*23) in the TMPO gene. While this is not anticipated to result in nonsense mediated decay, it is expected to disrupt the last 262 amino acid(s) of the TMPO protein. This variant is present in population databases (no rsID available, gnomAD 0.006%). This variant has not been reported in the literature in individuals affected with TMPO-related conditions. Experimental studies and prediction algorithms are not available or were not evaluated, and the functional significance of this variant is currently unknown. In summary, the available evidence is currently insufficient to determine the role of this variant in disease. Therefore, it has been classified as a Variant of Uncertain Significance.

NM_001032283.3(TMPO):c.565+1718_565+1721del

Gene: TMPO (thymopoietin; plus strand). Cytogenetic location: 12q23.1.
Variant type: Microsatellite.
Coding change: c.565+1718_565+1721del on transcript NM_001032283.3 (MANE Select); bases 1718 to 1721 of the intron after coding-DNA position 565, 4 bases deleted (TGAG; older notation c.565+1718_565+1721delTGAG).
Molecular consequence: intron variant. On other transcripts: frameshift variant (1).
Genome position (GRCh38, 1-based): chr12:98,533,556-98,533,559, TGAG deleted; deleting any 4 consecutive bases within chr12:98,533,552-98,533,559 gives the same sequence; the c. name uses the placement nearest the transcript's 3' end. VCF-style (leftmost placement, unchanged base first): chr12-98533551-CTGAG-C. GRCh37 (hg19) VCF-style: chr12-98927329-CTGAG-C.
Other names: c.1299_1302del, p.Ser433fs (NM_003276.2); c.565+1718_565+1721del (NM_001307975.2, NM_001032284.3); short protein forms S433fs.
Identifiers: ClinVar variation 3686536 (VCV003686536.2).